The following is an entry in ClinVar:

NM_016507.4(CDK12):c.830C>T (p.Pro277Leu)

Genes: CDK12 (cyclin dependent kinase 12; plus strand), LOC126862553 (CDK7 strongly-dependent group 2 enhancer GRCh37_chr17:37618166-37619365; plus strand). Cytogenetic location: 17q12.
Variant type: single nucleotide variant.
Coding change: c.830C>T on transcript NM_016507.4 (MANE Select); coding-DNA position 830, C replaced by T.
Protein change: p.Pro277Leu; replaces proline 277 with leucine.
Molecular consequence: missense variant.
Genome position (GRCh38, 1-based): chr17:39,462,901, C>T. VCF-style: chr17-39462901-C-T. GRCh37 (hg19) VCF-style: chr17-37619154-C-T.
Other names: c.830C>T, p.Pro277Leu (NM_015083.4); short protein forms P277L.
Identifiers: ClinVar variation 3830772 (VCV003830772.1).
Genomic context (GRCh38, chr17:39,462,901, plus strand): 5'-GCAATTATGACTCCTACAAGAAAAGTCCTGGAAGTACCTCGAGAAGGCAGTCGGTCAGTC[C>T]CCCTTACAAGGAGCCTTCGGCCTACCAGTCCAGCACCCGGTCACCGAGCCCCTACAGTAG-3'
Protein context (NP_057591.2, residues 267-287): GSTSRRQSVS[Pro277Leu]PYKEPSAYQS

ClinVar aggregate classification (germline): Uncertain significance (1 of 4 stars; one submission).

gnomAD v4.1: 1 of 1,614,156 alleles (0.000062%); highest among the groups gnomAD compares: Admixed American, 0.0017%; no homozygotes.

Submission:

Ambry Genetics
Classification: Uncertain significance. Last evaluated: 2025-03-08. Review status: criteria provided, single submitter. Criteria: Ambry Variant Classification Scheme 2023. Collection method: clinical testing. Allele origin: germline.
Comment: The p.P277L variant (also known as c.830C>T), located in coding exon 1 of the CDK12 gene, results from a C to T substitution at nucleotide position 830. The proline at codon 277 is replaced by leucine, an amino acid with similar properties. This amino acid position is conserved. In addition, this alteration is predicted to be tolerated by in silico analysis. Based on the available evidence, the clinical significance of this variant remains unclear.